The following is an entry in ClinVar:

NM_001009944.3(PKD1):c.5150C>T (p.Pro1717Leu)

Gene: PKD1 (polycystin 1, transient receptor potential channel interacting; minus strand). Cytogenetic location: 16p13.3.
Variant type: single nucleotide variant.
Coding change: c.5150C>T on transcript NM_001009944.3 (MANE Select); coding-DNA position 5150, C replaced by T.
Protein change: p.Pro1717Leu; replaces proline 1717 with leucine.
Molecular consequence: missense variant.
Genome position (GRCh38, 1-based): chr16:2,110,017, G>A on the plus strand (C>T on the coding strand, the complement: PKD1 is on the minus strand). VCF-style: chr16-2110017-G-A. GRCh37 (hg19) VCF-style: chr16-2160018-G-A.
Other names: c.5150C>T, p.Pro1717Leu (NM_000296.4); short protein forms P1717L.
Identifiers: ClinVar variation 3336393 (VCV003336393.1).

ClinVar aggregate classification (germline): Uncertain significance (1 of 4 stars; one submission).

gnomAD v4.1: 47 of 1,610,304 alleles (0.0029%); highest among the groups gnomAD compares: Non-Finnish European, 0.004%; no homozygotes.

Submission:

Women's Health and Genetics/Laboratory Corporation of America, LabCorp
Classification: Uncertain significance. Last evaluated: 2024-05-24. Review status: criteria provided, single submitter. Criteria: LabCorp Variant Classification Summary - May 2015. Collection method: clinical testing. Allele origin: germline.
Comment: Variant summary: PKD1 c.5150C>T (p.Pro1717Leu) results in a non-conservative amino acid change in the encoded protein sequence. Three of five in-silico tools predict a damaging effect of the variant on protein function. The variant was absent in 245610 control chromosomes. The available data on variant occurrences in the general population are insufficient to allow any conclusion about variant significance. To our knowledge, no occurrence of c.5150C>T in individuals affected with Polycystic Kidney Disease 1 and no experimental evidence demonstrating its impact on protein function have been reported. No submitters have cited clinical-significance assessments for this variant to ClinVar. Based on the evidence outlined above, the variant was classified as uncertain significance.